The following is an entry in ClinVar:

ClinVar aggregate classification (germline): Uncertain significance. Review status: criteria provided, multiple submitters, no conflicts (2 of 4 stars). 6 submissions from 6 submitters: Uncertain significance (5). 1 of the submissions does not count toward it. Last evaluated 2025-07-14.

Conditions:
Hereditary cancer-predisposing syndrome. Also called: Hereditary neoplastic syndrome; Neoplastic Syndromes, Hereditary; Tumor predisposition; Hereditary Cancer Syndrome. Identifiers: Orphanet 140162, MedGen C0027672, MeSH D009386, MONDO:0015356.
Ataxia-telangiectasia syndrome (AT). Also called: LOUIS-BAR SYNDROME; Cerebello-oculocutaneous telangiectasia; Immunodeficiency with ataxia telangiectasia; AT, COMPLEMENTATION GROUP C; Ataxia-telangiectasia, complementation group D; ATAXIA-TELANGIECTASIA, COMPLEMENTATION GROUP A. Identifiers: Orphanet 100, MedGen C0004135, MONDO:0008840, OMIM 208900.
Familial cancer of breast. Also called: BREAST CANCER, FAMILIAL; Hereditary breast cancer; hereditary breast carcinoma. Identifiers: Orphanet 227535, MedGen C0346153, MONDO:0016419, OMIM 114480. Disease mechanism: loss of function.

Allele frequency attached by ClinVar (database versions not stated): gnomAD exomes below 0.00001 and 0.00001; TOPMed below 0.00001.

Submissions (6):

Labcorp Genetics (formerly Invitae), Labcorp
Classification: Uncertain significance for Ataxia-telangiectasia syndrome. Last evaluated: 2025-07-14. Review status: criteria provided, single submitter. Criteria: Invitae Variant Classification Sherloc (09022015). Collection method: clinical testing. Allele origin: germline.
Comment: This sequence change replaces valine, which is neutral and non-polar, with alanine, which is neutral and non-polar, at codon 1729 of the ATM protein (p.Val1729Ala). This variant is present in population databases (no rsID available, gnomAD 0.0009%). This missense change has been observed in individual(s) with breast cancer (PMID: 19781682). ClinVar contains an entry for this variant (Variation ID: 481238). Invitae Evidence Modeling of protein sequence and biophysical properties (such as structural, functional, and spatial information, amino acid conservation, physicochemical variation, residue mobility, and thermodynamic stability) has been performed for this missense variant. However, the output from this modeling did not meet the statistical confidence thresholds required to predict the impact of this variant on ATM protein function. In summary, the available evidence is currently insufficient to determine the role of this variant in disease. Therefore, it has been classified as a Variant of Uncertain Significance.

Ambry Genetics
Classification: Uncertain significance for Hereditary cancer-predisposing syndrome. Last evaluated: 2024-12-03. Review status: criteria provided, single submitter. Criteria: Ambry Variant Classification Scheme 2023. Collection method: clinical testing. Allele origin: germline.
Comment: The p.V1729A variant (also known as c.5186T>C), located in coding exon 34 of the ATM gene, results from a T to C substitution at nucleotide position 5186. The valine at codon 1729 is replaced by alanine, an amino acid with similar properties. In a large case control study of breast cancer patients, this variant was reported in 1/4112 cases and in 0/2399 controls; however, an ATM pathogenic mutation was also detected in this individual (Tavtigian SV et al. Am J Hum Genet. 2009 Oct;85(4):427-46). This alteration has also been reported in at least one subject in a study of 13087 breast cancer cases and 5488 control individuals in the UK (Decker B et al. J Med Genet, 2017 11;54:732-741). This amino acid position is well conserved in available vertebrate species. In addition, the in silico prediction for this alteration is inconclusive. Based on the available evidence, the clinical significance of this variant remains unclear.

Fulgent Genetics
Classification: Uncertain significance for Familial cancer of breast; Ataxia-telangiectasia syndrome. Last evaluated: 2024-02-10. Review status: criteria provided, single submitter. Criteria: ACMG Guidelines, 2015. Collection method: clinical testing. Allele origin: germline.

Women's Health and Genetics/Laboratory Corporation of America, LabCorp
Classification: Uncertain significance. Last evaluated: 2023-01-30. Review status: criteria provided, single submitter. Criteria: LabCorp Variant Classification Summary - May 2015. Collection method: clinical testing. Allele origin: germline.
Comment: Variant summary: ATM c.5186T>C (p.Val1729Ala) results in a non-conservative amino acid change in the encoded protein sequence. Five of five in-silico tools predict a damaging effect of the variant on protein function. The variant allele was found at a frequency of 4e-06 in 251140 control chromosomes (gnomAD). The available data on variant occurrences in the general population are insufficient to allow any conclusion about variant significance. c.5186T>C has been reported in the literature in an individual affected with breast cancer, however this individual also had a pathogenic co-occurrence ATM c.7271T>G, p.V2424G (example: Tavtigian_2009 and Goldgar_2011). These report(s) do not provide unequivocal conclusions about association of the variant with Prostate Cancer. To our knowledge, no experimental evidence demonstrating an impact on protein function has been reported. Four clinical diagnostic laboratories have submitted clinical-significance assessments for this variant to ClinVar after 2014 and all classified the variant as uncertain significance. Based on the evidence outlined above, the variant was classified as uncertain significance.

Color Diagnostics, LLC DBA Color Health
Classification: Uncertain significance for Hereditary cancer-predisposing syndrome. Last evaluated: 2019-08-22. Review status: criteria provided, single submitter. Criteria: ACMG Guidelines, 2015. Collection method: clinical testing. Allele origin: germline.
Comment: This missense variant replaces valine with alanine at codon 1729 of the ATM protein. Computational prediction tools and conservation analyses suggest that this variant may have deleterious impact on protein structure and function. Splice site prediction tools suggest that this variant may not impact RNA splicing. To our knowledge, functional studies have not been performed for this variant. This variant has been reported in two individuals affected with breast cancer, one of whom also has a pathogenic ATM covariant (PMID: 19781682, 28779002). This variant has been identified in 1/251140 chromosomes in the general population by the Genome Aggregation Database (gnomAD). The available evidence is insufficient to determine the role of this variant in disease conclusively. Therefore, this variant is classified as a Variant of Uncertain Significance.

Natera, Inc.
Classification: Uncertain significance for Ataxia-telangiectasia. Last evaluated: 2020-07-22. Review status: no assertion criteria provided. Collection method: clinical testing. Allele origin: germline. Not counted in ClinVar's aggregate classification.

Literature cited by the submitters: PubMed 19781682 (cited by Labcorp Genetics (formerly Invitae), Labcorp and Women's Health and Genetics/Laboratory Corporation of America, LabCorp); PubMed 28779002 (cited by Ambry Genetics); PubMed 21787400 (cited by Women's Health and Genetics/Laboratory Corporation of America, LabCorp).

NM_000051.4(ATM):c.5186T>C (p.Val1729Ala)

Gene: ATM (ATM serine/threonine kinase; plus strand). Cytogenetic location: 11q22.3.
Variant type: single nucleotide variant.
Coding change: c.5186T>C on transcript NM_000051.4 (MANE Select); coding-DNA position 5186, T replaced by C.
Protein change: p.Val1729Ala; replaces valine 1729 with alanine.
Molecular consequence: missense variant.
Genome position (GRCh38, 1-based): chr11:108,301,656, T>C. VCF-style: chr11-108301656-T-C. GRCh37 (hg19) VCF-style: chr11-108172383-T-C.
Other names: c.5186T>C, p.Val1729Ala (NM_001351834.2); short protein forms V1729A.
Identifiers: ClinVar variation 481238 (VCV000481238.27), dbSNP rs1179068103, ClinGen allele CA382542124.
Genomic context (GRCh38, chr11:108,301,656, plus strand): 5'-ATCAAGATTAATAACTGGTGTACTTGATAGGCATTTGAATTGTTTTTTTCAGTGTCAAAG[T>C]TCGATCAGCAGCTGTTACCTGTTTGAAAAACATTTTAGCCACAAAGACTGGACATAGTTT-3'
Protein context (NP_000042.3, residues 1719-1739): NNTLVEDCVK[Val1729Ala]RSAAVTCLKN